The following is an entry in ClinVar:

ClinVar aggregate classification (germline): Uncertain significance (1 of 4 stars; one submission).

Conditions:
Atrioventricular septal defect 5 (AVSD5). Identifiers: MedGen C3280939, MONDO:0013769, OMIM 614474.

Submission:

Labcorp Genetics (formerly Invitae), Labcorp
Classification: Uncertain significance for Atrioventricular septal defect 5. Last evaluated: 2025-04-10. Review status: criteria provided, single submitter. Criteria: Invitae Variant Classification Sherloc (09022015). Collection method: clinical testing. Allele origin: germline.
Comment: This sequence change replaces threonine, which is neutral and polar, with proline, which is neutral and non-polar, at codon 537 of the GATA6 protein (p.Thr537Pro). This variant is not present in population databases (gnomAD no frequency). This variant has not been reported in the literature in individuals affected with GATA6-related conditions. Invitae Evidence Modeling of protein sequence and biophysical properties (such as structural, functional, and spatial information, amino acid conservation, physicochemical variation, residue mobility, and thermodynamic stability) indicates that this missense variant is not expected to disrupt GATA6 protein function with a negative predictive value of 80%. In summary, the available evidence is currently insufficient to determine the role of this variant in disease. Therefore, it has been classified as a Variant of Uncertain Significance.

NM_005257.6(GATA6):c.1609A>C (p.Thr537Pro)

Gene: GATA6 (GATA binding protein 6; plus strand). Cytogenetic location: 18q11.2.
Variant type: single nucleotide variant.
Coding change: c.1609A>C on transcript NM_005257.6 (MANE Select); coding-DNA position 1609, A replaced by C.
Protein change: p.Thr537Pro; replaces threonine 537 with proline.
Molecular consequence: missense variant.
Genome position (GRCh38, 1-based): chr18:22,183,032, A>C. VCF-style: chr18-22183032-A-C. GRCh37 (hg19) VCF-style: chr18-19762993-A-C.
Other names: short protein forms T537P.
Identifiers: ClinVar variation 4741797 (VCV004741797.1).